The following is an entry in ClinVar:

NM_002397.5(MEF2C):c.521A>G (p.His174Arg)

Gene: MEF2C (myocyte enhancer factor 2C; minus strand). Cytogenetic location: 5q14.3.
Variant type: single nucleotide variant.
Coding change: c.521A>G on transcript NM_002397.5 (MANE Select); coding-DNA position 521, A replaced by G.
Protein change: p.His174Arg; replaces histidine 174 with arginine.
Molecular consequence: missense variant.
Genome position (GRCh38, 1-based): chr5:88,751,925, T>C on the plus strand (A>G on the coding strand, the complement: MEF2C is on the minus strand). VCF-style: chr5-88751925-T-C. GRCh37 (hg19) VCF-style: chr5-88047742-T-C.
Other names: c.521A>G, p.His174Arg (NM_001308002.3, NM_001363581.2, NM_001364329.2 and 18 more transcripts); c.377A>G, p.His126Arg (NM_001364332.2, NM_001364354.2, NM_001364355.2 and 3 more transcripts); c.515A>G, p.His172Arg (NM_001364352.2, NM_001131005.2, NM_001364343.2); c.143A>G, p.His48Arg (NM_001364353.2, NM_001364356.2); c.95A>G, p.His32Arg (NM_001364357.2); c.575A>G, p.His192Arg (NM_001193347.1, NM_001364338.2); short protein forms H174R, H172R, H192R, H32R, H48R, H126R.
Identifiers: ClinVar variation 3721127 (VCV003721127.2).

ClinVar aggregate classification (germline): Uncertain significance (1 of 4 stars; one submission).

Conditions:
Neurodevelopmental disorder with hypotonia, stereotypic hand movements, and impaired language. Also called: Intellectual disability, autosomal dominant 20. Identifiers: Orphanet 228384, Orphanet 664410, MedGen C3150700, MONDO:0013266, OMIM 613443.

Submission:

Labcorp Genetics (formerly Invitae), Labcorp
Classification: Uncertain significance for Neurodevelopmental disorder with hypotonia, stereotypic hand movements, and impaired language. Last evaluated: 2024-10-10. Review status: criteria provided, single submitter. Criteria: Invitae Variant Classification Sherloc (09022015). Collection method: clinical testing. Allele origin: germline.
Comment: This sequence change replaces histidine, which is basic and polar, with arginine, which is basic and polar, at codon 174 of the MEF2C protein (p.His174Arg). This variant is not present in population databases (gnomAD no frequency). This variant has not been reported in the literature in individuals affected with MEF2C-related conditions. Invitae Evidence Modeling of protein sequence and biophysical properties (such as structural, functional, and spatial information, amino acid conservation, physicochemical variation, residue mobility, and thermodynamic stability) indicates that this missense variant is not expected to disrupt MEF2C protein function with a negative predictive value of 80%. In summary, the available evidence is currently insufficient to determine the role of this variant in disease. Therefore, it has been classified as a Variant of Uncertain Significance.